The following is an entry in ClinVar:

ClinVar aggregate classification (germline): Uncertain significance (1 of 4 stars; one submission).

Conditions:
Sulfite oxidase deficiency due to molybdenum cofactor deficiency type C. Also called: Molybdenum cofactor deficiency, complementation group C; Molybdenum cofactor deficiency C. Identifiers: Orphanet 308400, Orphanet 833, MedGen C1854990, MONDO:0014212, OMIM 615501.

Allele frequency attached by ClinVar (database versions not stated): TOPMed below 0.00001; ExAC 0.00001; gnomAD 0.00001; gnomAD exomes 0.00001.
gnomAD v4.1: 8 of 1,573,264 alleles (0.00051%); highest among the groups gnomAD compares: Non-Finnish European, 0.0007%; no homozygotes.

Submission:

Labcorp Genetics (formerly Invitae), Labcorp
Classification: Uncertain significance for Sulfite oxidase deficiency due to molybdenum cofactor deficiency type C. Last evaluated: 2024-10-24. Review status: criteria provided, single submitter. Criteria: Invitae Variant Classification Sherloc (09022015). Collection method: clinical testing. Allele origin: germline.
Comment: This sequence change replaces proline, which is neutral and non-polar, with serine, which is neutral and polar, at codon 46 of the GPHN protein (p.Pro46Ser). This variant is present in population databases (rs777618122, gnomAD 0.002%). This variant has not been reported in the literature in individuals affected with GPHN-related conditions. ClinVar contains an entry for this variant (Variation ID: 1364281). Invitae Evidence Modeling of protein sequence and biophysical properties (such as structural, functional, and spatial information, amino acid conservation, physicochemical variation, residue mobility, and thermodynamic stability) indicates that this missense variant is not expected to disrupt GPHN protein function with a negative predictive value of 80%. In summary, the available evidence is currently insufficient to determine the role of this variant in disease. Therefore, it has been classified as a Variant of Uncertain Significance.

NM_020806.5(GPHN):c.136C>T (p.Pro46Ser)

Gene: GPHN (gephyrin; plus strand). Cytogenetic location: 14q23.3.
Variant type: single nucleotide variant.
Coding change: c.136C>T on transcript NM_020806.5 (MANE Select); coding-DNA position 136, C replaced by T.
Protein change: p.Pro46Ser; replaces proline 46 with serine.
Molecular consequence: missense variant.
Genome position (GRCh38, 1-based): chr14:66,681,178, C>T. VCF-style: chr14-66681178-C-T. GRCh37 (hg19) VCF-style: chr14-67147896-C-T.
Other names: c.136C>T, p.Pro46Ser (NM_001024218.2, NM_001377514.1, NM_001377515.1 and 4 more transcripts); short protein forms P46S.
Identifiers: ClinVar variation 1364281 (VCV001364281.8), dbSNP rs777618122, ClinGen allele CA7233645.